The following is an entry in ClinVar:

ClinVar aggregate classification (germline): Likely benign. Review status: criteria provided, multiple submitters, no conflicts (2 of 4 stars). 4 submissions from 4 submitters: Likely benign (4). Last evaluated 2025-06-30.

Conditions:
Inborn genetic diseases. Identifiers: MedGen C0950123, MeSH D030342.
Familial focal epilepsy with variable foci (FPEVF). Identifiers: Orphanet 98820, MedGen C1858477, MONDO:0020310.

Allele frequency attached by ClinVar (database versions not stated): gnomAD exomes 0.00002; TOPMed 0.00002; gnomAD 0.00003.
gnomAD v4.1: 29 of 1,613,866 alleles (0.0018%); highest among the groups gnomAD compares: Non-Finnish European, 0.0024%; no homozygotes.

Submissions (4):

Ambry Genetics
Classification: Likely benign for Inborn genetic diseases. Last evaluated: 2025-06-30. Review status: criteria provided, single submitter. Criteria: Ambry Variant Classification Scheme 2023. Collection method: clinical testing. Allele origin: germline.

Labcorp Genetics (formerly Invitae), Labcorp
Classification: Likely benign for Familial focal epilepsy with variable foci. Last evaluated: 2023-06-16. Review status: criteria provided, single submitter. Criteria: Invitae Variant Classification Sherloc (09022015). Collection method: clinical testing. Allele origin: germline.

CeGaT Center for Human Genetics Tuebingen
Classification: Likely benign. Last evaluated: 2022-08-01. Review status: criteria provided, single submitter. Criteria: CeGaT Center For Human Genetics Tuebingen Variant Classification Criteria Version 2. Collection method: clinical testing. Allele origin: germline. Affected: yes. Observed: 1 variant allele.
Comment: DEPDC5: BP4, BP7

GeneDx
Classification: Likely benign. Last evaluated: 2016-06-14. Review status: criteria provided, single submitter. Criteria: GeneDx Variant Classification (06012015). Collection method: clinical testing. Allele origin: germline. Affected: yes.
Comment: This variant is considered likely benign or benign based on one or more of the following criteria: it is a conservative change, it occurs at a poorly conserved position in the protein, it is predicted to be benign by multiple in silico algorithms, and/or has population frequency not consistent with disease.

NM_001242896.3(DEPDC5):c.4437G>A (p.Arg1479=)

Gene: DEPDC5 (DEP domain containing 5, GATOR1 subcomplex subunit; plus strand). Cytogenetic location: 22q12.3.
Variant type: single nucleotide variant.
Coding change: c.4437G>A on transcript NM_001242896.3 (MANE Select); coding-DNA position 4437, G replaced by A.
Protein change: p.Arg1479=; no amino-acid change (arginine 1479 retained).
Molecular consequence: synonymous variant. On other transcripts: non-coding transcript variant (5).
Genome position (GRCh38, 1-based): chr22:31,905,984, G>A. VCF-style: chr22-31905984-G-A. GRCh37 (hg19) VCF-style: chr22-32301970-G-A.
Other names: c.4410G>A, p.Arg1470= (NM_001136029.4); c.4137G>A, p.Arg1379= (NM_001242897.2); c.4371G>A, p.Arg1457= (NM_001363852.2, NM_001364320.2); c.4203G>A, p.Arg1401= (NM_001363854.2, NM_001364319.2); c.4437G>A, p.Arg1479= (NM_001364318.2); c.4353G>A, p.Arg1451= (NM_001369901.1, NM_001369902.1); c.4344G>A, p.Arg1448= (NM_001369903.1, NM_014662.6).
Identifiers: ClinVar variation 387098 (VCV000387098.36), dbSNP rs1057522689, ClinGen allele CA16609096.